The following is an entry in ClinVar:

NM_000264.5(PTCH1):c.1170C>G (p.Asp390Glu)

Gene: PTCH1 (patched 1; minus strand). Cytogenetic location: 9q22.32.
Variant type: single nucleotide variant.
Coding change: c.1170C>G on transcript NM_000264.5 (MANE Select); coding-DNA position 1170, C replaced by G.
Protein change: p.Asp390Glu; replaces aspartic acid 390 with glutamic acid.
Molecular consequence: missense variant. On other transcripts: non-coding transcript variant (1).
Genome position (GRCh38, 1-based): chr9:95,479,045, G>C on the plus strand (C>G on the coding strand, the complement: PTCH1 is on the minus strand). VCF-style: chr9-95479045-G-C. GRCh37 (hg19) VCF-style: chr9-98241327-G-C.
Other names: c.972C>G, p.Asp324Glu (NM_001083602.3); c.1167C>G, p.Asp389Glu (NM_001083603.3); c.717C>G, p.Asp239Glu (NM_001083604.3, NM_001083605.3, NM_001083606.3 and 1 more transcripts); c.1170C>G, p.Asp390Glu (NM_001354918.2); short protein forms D324E, D239E, D390E, D389E.
Identifiers: ClinVar variation 3311187 (VCV003311187.1).

ClinVar aggregate classification (germline): Uncertain significance (1 of 4 stars; one submission).

Conditions:
Hereditary cancer-predisposing syndrome. Also called: Neoplastic Syndromes, Hereditary; Tumor predisposition; Hereditary neoplastic syndrome; Hereditary Cancer Syndrome. Identifiers: Orphanet 140162, MedGen C0027672, MeSH D009386, MONDO:0015356.

Submission:

Ambry Genetics
Classification: Uncertain significance for Hereditary cancer-predisposing syndrome. Last evaluated: 2024-05-24. Review status: criteria provided, single submitter. Criteria: Ambry Variant Classification Scheme 2023. Collection method: clinical testing. Allele origin: germline.
Comment: The p.D390E variant (also known as c.1170C>G), located in coding exon 8 of the PTCH1 gene, results from a C to G substitution at nucleotide position 1170. The aspartic acid at codon 390 is replaced by glutamic acid, an amino acid with highly similar properties. This amino acid position is conserved. In addition, this alteration is predicted to be tolerated by in silico analysis. Based on the available evidence, the clinical significance of this variant remains unclear.